The following is an entry in ClinVar:

NM_014423.4(AFF4):c.308A>T (p.His103Leu)

Gene: AFF4 (ALF transcription elongation factor 4; minus strand). Cytogenetic location: 5q31.1.
Variant type: single nucleotide variant.
Coding change: c.308A>T on transcript NM_014423.4 (MANE Select); coding-DNA position 308, A replaced by T.
Protein change: p.His103Leu; replaces histidine 103 with leucine.
Molecular consequence: missense variant.
Genome position (GRCh38, 1-based): chr5:132,934,757, T>A on the plus strand (A>T on the coding strand, the complement: AFF4 is on the minus strand). VCF-style: chr5-132934757-T-A. GRCh37 (hg19) VCF-style: chr5-132270449-T-A.
Other names: short protein forms H103L.
Identifiers: ClinVar variation 2850929 (VCV002850929.3), dbSNP rs2532577074, ClinGen allele CA360962008.
Genomic context (GRCh38, chr5:132,934,757, plus strand): 5'-CGTTTCTGAGACTGAGAAGTGCTGGGTGCGGGTCCTACTGGAGTCCATTTGCTACTCTGA[T>A]GAGAGCCTCCATGTCTCTGTTCAAAGAAATTTGGGTTAGATTTTTCATCTGCTGATGGTG-3'
Protein context (NP_055238.1, residues 93-113): NFFEQRHGGS[His103Leu]QSSKWTPVGP

ClinVar aggregate classification (germline): Uncertain significance (1 of 4 stars; one submission).

Conditions:
Cognitive impairment - coarse facies - heart defects - obesity - pulmonary involvement - short stature - skeletal dysplasia syndrome. Also called: COGNITIVE IMPAIRMENT, COARSE FACIES, HEART DEFECTS, OBESITY, PULMONARY INVOLVEMENT, SHORT STATURE, AND SKELETAL DYSPLASIA; Chops syndrome; AFF4-Related CHOPS Syndrome. Identifiers: Orphanet 444077, MedGen C4085597, MONDO:0014609, OMIM 616368.

Submission:

Labcorp Genetics (formerly Invitae), Labcorp
Classification: Uncertain significance for Cognitive impairment - coarse facies - heart defects - obesity - pulmonary involvement - short stature - skeletal dysplasia syndrome. Last evaluated: 2023-03-30. Review status: criteria provided, single submitter. Criteria: Invitae Variant Classification Sherloc (09022015). Collection method: clinical testing. Allele origin: germline.
Comment: In summary, the available evidence is currently insufficient to determine the role of this variant in disease. Therefore, it has been classified as a Variant of Uncertain Significance. Advanced modeling of protein sequence and biophysical properties (such as structural, functional, and spatial information, amino acid conservation, physicochemical variation, residue mobility, and thermodynamic stability) performed at Invitae indicates that this missense variant is not expected to disrupt AFF4 protein function. This variant has not been reported in the literature in individuals affected with AFF4-related conditions. This variant is not present in population databases (gnomAD no frequency). This sequence change replaces histidine, which is basic and polar, with leucine, which is neutral and non-polar, at codon 103 of the AFF4 protein (p.His103Leu).